The following is an entry in ClinVar:

ClinVar aggregate classification (germline): Uncertain significance. Review status: criteria provided, multiple submitters, no conflicts (2 of 4 stars). 3 submissions from 3 submitters: Uncertain significance (3). Last evaluated 2024-09-11.

Conditions:
Cardiovascular phenotype. Identifiers: MedGen CN230736.
Myofibrillar myopathy 4. Also called: Zaspopathy (type). Identifiers: Orphanet 98912, MedGen C4721886, MONDO:0012277, OMIM 609452.

Submissions (3):

Labcorp Genetics (formerly Invitae), Labcorp
Classification: Uncertain significance for Myofibrillar myopathy 4. Last evaluated: 2024-09-11. Review status: criteria provided, single submitter. Criteria: Invitae Variant Classification Sherloc (09022015). Collection method: clinical testing. Allele origin: germline.
Comment: The LDB3 gene has multiple clinically relevant transcripts. This variant occurs in alternate transcript NM_007078.3, and corresponds to NM_001080116.1:c.*17010C>T in the primary transcript. This sequence change replaces threonine, which is neutral and polar, with isoleucine, which is neutral and non-polar, at codon 430 of the LDB3 protein (p.Thr430Ile). The frequency data for this variant in the population databases is considered unreliable, as metrics indicate poor data quality at this position in the gnomAD database. This variant has not been reported in the literature in individuals affected with LDB3-related conditions. Experimental studies and prediction algorithms are not available or were not evaluated, and the functional significance of this variant is currently unknown. In summary, the available evidence is currently insufficient to determine the role of this variant in disease. Therefore, it has been classified as a Variant of Uncertain Significance.

Ambry Genetics
Classification: Uncertain significance for Cardiovascular phenotype. Last evaluated: 2024-07-08. Review status: criteria provided, single submitter. Criteria: Ambry Variant Classification Scheme 2023. Collection method: clinical testing. Allele origin: germline.

GeneDx
Classification: Uncertain significance. Last evaluated: 2024-02-08. Review status: criteria provided, single submitter. Criteria: GeneDx Variant Classification Process June 2021. Collection method: clinical testing. Allele origin: germline. Affected: yes.
Comment: Reported using an alternate transcript of the gene; Has not been previously published as pathogenic or benign to our knowledge; Not observed at significant frequency in large population cohorts (gnomAD); In silico analysis supports that this variant does not alter protein structure/function

NM_007078.3(LDB3):c.1289C>T (p.Thr430Ile)

Gene: LDB3 (LIM domain binding 3; plus strand). Cytogenetic location: 10q23.2.
Variant type: single nucleotide variant.
Coding change: c.1289C>T on transcript NM_007078.3 (MANE Select); coding-DNA position 1289, C replaced by T.
Protein change: p.Thr430Ile; replaces threonine 430 with isoleucine.
Molecular consequence: missense variant.
Genome position (GRCh38, 1-based): chr10:86,716,384, C>T. VCF-style: chr10-86716384-C-T. GRCh37 (hg19) VCF-style: chr10-88476141-C-T.
Other names: c.959C>T, p.Thr320Ile (NM_001080114.2); c.1304C>T, p.Thr435Ile (NM_001171610.2); c.1100C>T, p.Thr367Ile (NM_001368064.1, NM_001368065.1); c.1148C>T, p.Thr383Ile (NM_001368066.1); short protein forms T320I, T367I, T430I, T383I, T435I.
Identifiers: ClinVar variation 1368010 (VCV001368010.10), dbSNP rs746183666, ClinGen allele CA5585116.